The following is an entry in ClinVar:

NM_024649.5(BBS1):c.1335C>T (p.Gly445=)

Genes: BBS1 (Bardet-Biedl syndrome 1; plus strand), ZDHHC24 (zDHHC palmitoyltransferase 24; minus strand). Cytogenetic location: 11q13.2.
Variant type: single nucleotide variant.
Coding change: c.1335C>T on transcript NM_024649.5 (MANE Select); coding-DNA position 1335, C replaced by T.
Protein change: p.Gly445=; no amino-acid change (glycine 445 retained).
Molecular consequence: synonymous variant. On other transcripts: intron variant (1).
Genome position (GRCh38, 1-based): chr11:66,526,803, C>T. VCF-style: chr11-66526803-C-T. GRCh37 (hg19) VCF-style: chr11-66294274-C-T.
Other names: c.*21+133G>A (NM_001348571.2).
Identifiers: ClinVar variation 2631338 (VCV002631338.7), dbSNP rs2495802198, ClinGen allele CA475337341.

ClinVar aggregate classification (germline): Likely benign. Review status: criteria provided, multiple submitters, no conflicts (2 of 4 stars). 2 submissions from 2 submitters: Likely benign (2). Last evaluated 2025-04-11.

Conditions:
Bardet-Biedl syndrome (BBS). Identifiers: Orphanet 110, MedGen C0752166, MONDO:0015229.
BBS1-related disorder. Also called: BBS1-related condition.

Submissions (2):

PreventionGenetics, part of Exact Sciences
Classification: Likely benign for BBS1-related condition. Last evaluated: 2025-04-11. Review status: criteria provided, single submitter. Criteria: ACMG Guidelines, 2015. Collection method: clinical testing. Allele origin: germline.
Comment: This variant is classified as likely benign based on ACMG/AMP sequence variant interpretation guidelines (Richards et al. 2015 PMID: 25741868, with internal and published modifications).

Labcorp Genetics (formerly Invitae), Labcorp
Classification: Likely benign for Bardet-Biedl syndrome. Last evaluated: 2024-10-21. Review status: criteria provided, single submitter. Criteria: Invitae Variant Classification Sherloc (09022015). Collection method: clinical testing. Allele origin: germline.